The following is an entry in ClinVar:

ClinVar aggregate classification (germline): Benign/Likely benign. Review status: criteria provided, multiple submitters, no conflicts (2 of 4 stars). 3 submissions from 3 submitters: Benign (1); Likely benign (2). Last evaluated 2026-01-04.

Conditions:
Kabuki syndrome. Also called: Kabuki make-up syndrome; NIIKAWA-KUROKI SYNDROME. Identifiers: Orphanet 2322, MedGen C0796004, MONDO:0016512.

Allele frequency attached by ClinVar (database versions not stated): TOPMed below 0.00001; gnomAD 0.00001; ExAC 0.00003; ESP Exome Variant Server 0.00008.
gnomAD v4.1: 30 of 1,586,188 alleles (0.0019%); highest among the groups gnomAD compares: Non-Finnish European, 0.0025%; no homozygotes.

Submissions (3):

Labcorp Genetics (formerly Invitae), Labcorp
Classification: Benign for Kabuki syndrome. Last evaluated: 2026-01-04. Review status: criteria provided, single submitter. Criteria: Invitae Variant Classification Sherloc (09022015). Collection method: clinical testing. Allele origin: germline.

Laboratory of Genetics, Children's Clinical University Hospital Latvia
Classification: Likely benign. Last evaluated: 2025-02-16. Review status: criteria provided, single submitter. Criteria: ACMG Guidelines, 2015. Collection method: clinical testing. Allele origin: germline. Affected: yes.

CeGaT Center for Human Genetics Tuebingen
Classification: Likely benign. Last evaluated: 2024-08-01. Review status: criteria provided, single submitter. Criteria: CeGaT Center For Human Genetics Tuebingen Variant Classification Criteria Version 2. Collection method: clinical testing. Allele origin: germline. Affected: yes. Observed: 1 variant allele.
Comment: KMT2D: BP4

NM_003482.4(KMT2D):c.9655G>A (p.Ala3219Thr)

Gene: KMT2D (lysine methyltransferase 2D; minus strand). Cytogenetic location: 12q13.12.
Variant type: single nucleotide variant.
Coding change: c.9655G>A on transcript NM_003482.4 (MANE Select); coding-DNA position 9655, G replaced by A.
Protein change: p.Ala3219Thr; replaces alanine 3219 with threonine.
Molecular consequence: missense variant.
Genome position (GRCh38, 1-based): chr12:49,037,701, C>T on the plus strand (G>A on the coding strand, the complement: KMT2D is on the minus strand). VCF-style: chr12-49037701-C-T. GRCh37 (hg19) VCF-style: chr12-49431484-C-T.
Other names: short protein forms A3219T.
Identifiers: ClinVar variation 1373421 (VCV001373421.23), dbSNP rs369597292, ClinGen allele CA6546661.